The following is an entry in ClinVar:

ClinVar aggregate classification (germline): Likely benign. Review status: criteria provided, multiple submitters, no conflicts (2 of 4 stars). 2 submissions from 2 submitters: Likely benign (2). Last evaluated 2026-05-13.

Conditions:
Bardet-Biedl syndrome (BBS). Identifiers: Orphanet 110, MedGen C0752166, MONDO:0015229.
BBS2-related disorder. Also called: BBS2-related condition; BBS2-related disorders. Identifiers: MedGen CN239228.

Allele frequency attached by ClinVar (database versions not stated): gnomAD exomes below 0.00001; TOPMed below 0.00001.
gnomAD v4.1: 1 of 1,613,820 alleles (0.000062%); highest among the groups gnomAD compares: Non-Finnish European, 0.000085%; no homozygotes.

Submissions (2):

PreventionGenetics, part of Exact Sciences
Classification: Likely benign for BBS2-related condition. Last evaluated: 2026-05-13. Review status: criteria provided, single submitter. Criteria: ACMG Guidelines, 2015. Collection method: clinical testing. Allele origin: germline.
Comment: This variant is classified as likely benign based on ACMG/AMP sequence variant interpretation guidelines (Richards et al. 2015 PMID: 25741868, with internal and published modifications).

Labcorp Genetics (formerly Invitae), Labcorp
Classification: Likely benign for Bardet-Biedl syndrome. Last evaluated: 2024-08-12. Review status: criteria provided, single submitter. Criteria: Invitae Variant Classification Sherloc (09022015). Collection method: clinical testing. Allele origin: germline.

NM_031885.5(BBS2):c.2151G>A (p.Gly717=)

Gene: BBS2 (Bardet-Biedl syndrome 2; minus strand). Cytogenetic location: 16q13.
Variant type: single nucleotide variant.
Coding change: c.2151G>A on transcript NM_031885.5 (MANE Select); coding-DNA position 2151, G replaced by A.
Protein change: p.Gly717=; no amino-acid change (glycine 717 retained).
Molecular consequence: synonymous variant. On other transcripts: non-coding transcript variant (5).
Genome position (GRCh38, 1-based): chr16:56,484,776, C>T on the plus strand (G>A on the coding strand, the complement: BBS2 is on the minus strand). VCF-style: chr16-56484776-C-T. GRCh37 (hg19) VCF-style: chr16-56518688-C-T.
Other names: c.2151G>A, p.Gly717= (NM_001377456.1); c.2151G>A (NM_031885.3).
Identifiers: ClinVar variation 2878743 (VCV002878743.4), dbSNP rs1374151749, ClinGen allele CA495582744.